The following is an entry in ClinVar:

NM_004448.4(ERBB2):c.3166G>A (p.Gly1056Ser)

Gene: ERBB2 (erb-b2 receptor tyrosine kinase 2; plus strand). Cytogenetic location: 17q12.
Variant type: single nucleotide variant.
Coding change: c.3166G>A on transcript NM_004448.4 (MANE Select); coding-DNA position 3166, G replaced by A.
Protein change: p.Gly1056Ser; replaces glycine 1056 with serine.
Molecular consequence: missense variant. On other transcripts: non-coding transcript variant (1), intron variant (2).
Genome position (GRCh38, 1-based): chr17:39,727,301, G>A. VCF-style: chr17-39727301-G-A. GRCh37 (hg19) VCF-style: chr17-37883554-G-A.
Other names: c.3076G>A, p.Gly1026Ser (NM_001005862.3, NM_001382782.1, NM_001382783.1); c.3121G>A, p.Gly1041Ser (NM_001289936.2); c.3283G>A, p.Gly1095Ser (NM_001382784.1); c.3268G>A, p.Gly1090Ser (NM_001382785.1); c.3247G>A, p.Gly1083Ser (NM_001382786.1); c.3241G>A, p.Gly1081Ser (NM_001382787.1); c.3196G>A, p.Gly1066Ser (NM_001382788.1); c.3187G>A, p.Gly1063Ser (NM_001382789.1); and 17 more; short protein forms G1004S, G1026S, G1042S, G1055S, G994S, G1040S, G1053S, G1056S.
Identifiers: ClinVar variation 1424946 (VCV001424946.9), dbSNP rs574436396, ClinGen allele CA8534497.

ClinVar aggregate classification (germline): Uncertain significance. Review status: criteria provided, multiple submitters, no conflicts (2 of 4 stars). 2 submissions from 2 submitters: Uncertain significance (2). Last evaluated 2024-06-15.

Conditions:
Glioma susceptibility 1 (GLM1). Also called: Glioblastoma, somatic. Identifiers: MedGen C2750850, MONDO:0024498, OMIM 137800.
Lung cancer. Also called: Lung cancer, somatic; Malignant tumor of lung. Identifiers: MedGen C0242379, MONDO:0008903, OMIM 211980.
Gastric cancer. Also called: Stomach cancer; Malignant tumor of stomach. Identifiers: MedGen C0024623, MeSH D013274, MONDO:0001056, OMIM 613659, HP:0012126.
Visceral neuropathy, familial, 2, autosomal recessive. Identifiers: MedGen C5561950, MONDO:0030399, OMIM 619465.
Ovarian cancer. Also called: OVARIAN CANCER, SOMATIC. Identifiers: Orphanet 213500, MedGen C1140680, MONDO:0008170, OMIM 167000.

Allele frequency attached by ClinVar (database versions not stated): TOPMed 0.00005; gnomAD 0.00007 and 0.00009; gnomAD exomes 0.00008; ExAC 0.00012; 1000 Genomes Project 30x 0.00016; 1000 Genomes Project 0.00020.
gnomAD v4.1: 128 of 1,612,722 alleles (0.0079%); highest among the groups gnomAD compares: South Asian, 0.023%; no homozygotes.

Submissions (2):

Fulgent Genetics
Classification: Uncertain significance for Glioma susceptibility 1; Ovarian cancer; Lung cancer; Gastric cancer; Visceral neuropathy, familial, 2, autosomal recessive. Last evaluated: 2024-06-15. Review status: criteria provided, single submitter. Criteria: ACMG Guidelines, 2015. Collection method: clinical testing. Allele origin: germline.

Labcorp Genetics (formerly Invitae), Labcorp
Classification: Uncertain significance. Last evaluated: 2023-12-29. Review status: criteria provided, single submitter. Criteria: Invitae Variant Classification Sherloc (09022015). Collection method: clinical testing. Allele origin: germline.
Comment: This sequence change replaces glycine, which is neutral and non-polar, with serine, which is neutral and polar, at codon 1056 of the ERBB2 protein (p.Gly1056Ser). This variant is present in population databases (rs574436396, gnomAD 0.02%). This variant has not been reported in the literature in individuals affected with ERBB2-related conditions. ClinVar contains an entry for this variant (Variation ID: 1424946). An algorithm developed to predict the effect of missense changes on protein structure and function (PolyPhen-2) suggests that this variant is likely to be tolerated. In summary, the available evidence is currently insufficient to determine the role of this variant in disease. Therefore, it has been classified as a Variant of Uncertain Significance.